The following is an entry in ClinVar:

NM_000288.4(PEX7):c.964C>A (p.Pro322Thr)

Gene: PEX7 (peroxisomal biogenesis factor 7; plus strand). Cytogenetic location: 6q23.3.
Variant type: single nucleotide variant.
Coding change: c.964C>A on transcript NM_000288.4 (MANE Select); coding-DNA position 964, C replaced by A.
Protein change: p.Pro322Thr; replaces proline 322 with threonine.
Molecular consequence: missense variant.
Genome position (GRCh38, 1-based): chr6:136,913,518, C>A. VCF-style: chr6-136913518-C-A. GRCh37 (hg19) VCF-style: chr6-137234656-C-A.
Other names: c.850C>A, p.Pro284Thr (NM_001410945.1); c.964C>A (NM_000288.3); short protein forms P284T, P322T.
Identifiers: ClinVar variation 2141481 (VCV002141481.2), dbSNP rs144183965, ClinGen allele CA4017814.

ClinVar aggregate classification (germline): Uncertain significance. Review status: criteria provided, multiple submitters, no conflicts (2 of 4 stars). 2 submissions from 2 submitters: Uncertain significance (2). Last evaluated 2025-09-28.

Conditions:
Peroxisome biogenesis disorder 9B. Also called: PEX7-Related Refsum Disease; Refsum disease, adult, 2; PEROXISOME BIOGENESIS DISORDER, PEX7-RELATED, ATYPICAL. Identifiers: Orphanet 773, MedGen C2749346, MONDO:0013945, OMIM 614879.
Inborn genetic diseases. Identifiers: MedGen C0950123, MeSH D030342.

Allele frequency attached by ClinVar (database versions not stated): gnomAD 0.00009; ExAC 0.00005; TOPMed 0.00009; ESP Exome Variant Server 0.00015.
gnomAD v4.1: 22 of 1,607,692 alleles (0.0014%); highest among the groups gnomAD compares: African/African-American, 0.027%; no homozygotes.

Submissions (2):

Ambry Genetics
Classification: Uncertain significance for Inborn genetic diseases. Last evaluated: 2025-09-28. Review status: criteria provided, single submitter. Criteria: Ambry Variant Classification Scheme 2023. Collection method: clinical testing. Allele origin: germline.

Labcorp Genetics (formerly Invitae), Labcorp
Classification: Uncertain significance for Peroxisome biogenesis disorder 9B. Last evaluated: 2022-01-13. Review status: criteria provided, single submitter. Criteria: Invitae Variant Classification Sherloc (09022015). Collection method: clinical testing. Allele origin: germline.
Comment: This sequence change replaces proline, which is neutral and non-polar, with threonine, which is neutral and polar, at codon 322 of the PEX7 protein (p.Pro322Thr). This variant is present in population databases (rs144183965, gnomAD 0.05%). This variant has not been reported in the literature in individuals affected with PEX7-related conditions. Algorithms developed to predict the effect of missense changes on protein structure and function (SIFT, PolyPhen-2, Align-GVGD) all suggest that this variant is likely to be tolerated. In summary, the available evidence is currently insufficient to determine the role of this variant in disease. Therefore, it has been classified as a Variant of Uncertain Significance.